The following is an entry in ClinVar:

ClinVar aggregate classification (germline): Uncertain significance (1 of 4 stars; one submission).

Conditions:
Multiple gastrointestinal atresias. Also called: FAMILIAL INTESTINAL POLYATRESIA SYNDROME; Multiple intestinal atresia. Identifiers: Orphanet 2300, MedGen C0220744, MONDO:0009465.

Submission:

Labcorp Genetics (formerly Invitae), Labcorp
Classification: Uncertain significance for Multiple gastrointestinal atresias. Last evaluated: 2019-07-08. Review status: criteria provided, single submitter. Criteria: Invitae Variant Classification Sherloc (09022015). Collection method: clinical testing. Allele origin: germline.
Comment: In summary, the available evidence is currently insufficient to determine the role of this variant in disease. Therefore, it has been classified as a Variant of Uncertain Significance. This variant has not been reported in the literature in individuals with TTC7A-related conditions. This variant results in a copy number gain of the genomic region encompassing exon 20 of the TTC7A gene. The 5' boundary is likely confined to intron 19. The 3' end of this event is unknown as it extends beyond the assayed region for this gene and therefore may encompass additional genes. As the precise location of this event is unknown, it may be in tandem or it may be located elsewhere in the genome.

NC_000002.12:g.(?_47073682)_(47073943_?)dup

Gene: TTC7A (tetratricopeptide repeat domain 7A; plus strand). Cytogenetic location: 2p21.
Variant type: Duplication.
Identifiers: ClinVar variation 830529 (VCV000830529.3).